The following is an entry in ClinVar:

ClinVar aggregate classification (germline): Uncertain significance (1 of 4 stars; one submission).

Conditions:
TNF receptor-associated periodic fever syndrome (TRAPS) (FPF). Also called: TNF RECEPTOR-ASSOCIATED PERIODIC SYNDROME; TUMOR NECROSIS FACTOR RECEPTOR-ASSOCIATED PERIODIC SYNDROME; TNF receptor 1-associated periodic fever syndrome; Autosomal Dominant Familial Periodic Fever; TNF Receptor-Associated Periodic Fever Syndrome; FAMILIAL HIBERNIAN FEVER. Identifiers: Orphanet 32960, MedGen C1275126, MONDO:0007727, OMIM 142680.

Submission:

Labcorp Genetics (formerly Invitae), Labcorp
Classification: Uncertain significance for TNF receptor-associated periodic fever syndrome (TRAPS). Last evaluated: 2022-05-05. Review status: criteria provided, single submitter. Criteria: Invitae Variant Classification Sherloc (09022015). Collection method: clinical testing. Allele origin: germline.
Comment: Advanced modeling of protein sequence and biophysical properties (such as structural, functional, and spatial information, amino acid conservation, physicochemical variation, residue mobility, and thermodynamic stability) performed at Invitae indicates that this missense variant is expected to disrupt TNFRSF1A protein function. In summary, the available evidence is currently insufficient to determine the role of this variant in disease. Therefore, it has been classified as a Variant of Uncertain Significance. This variant has not been reported in the literature in individuals affected with TNFRSF1A-related conditions. This sequence change replaces aspartic acid, which is acidic and polar, with glycine, which is neutral and non-polar, at codon 122 of the TNFRSF1A protein (p.Asp122Gly). This variant is not present in population databases (gnomAD no frequency).

NM_001065.4(TNFRSF1A):c.365A>G (p.Asp122Gly)

Gene: TNFRSF1A (TNF receptor superfamily member 1A; minus strand). Cytogenetic location: 12p13.31.
Variant type: single nucleotide variant.
Coding change: c.365A>G on transcript NM_001065.4 (MANE Select); coding-DNA position 365, A replaced by G.
Protein change: p.Asp122Gly; replaces aspartic acid 122 with glycine.
Molecular consequence: missense variant. On other transcripts: 5 prime UTR variant (1), non-coding transcript variant (1).
Genome position (GRCh38, 1-based): chr12:6,333,474, T>C on the plus strand (A>G on the coding strand, the complement: TNFRSF1A is on the minus strand). VCF-style: chr12-6333474-T-C. GRCh37 (hg19) VCF-style: chr12-6442640-T-C.
Other names: c.41A>G, p.Asp14Gly (NM_001346091.2); c.-213A>G (NM_001346092.2); short protein forms D122G, D14G.
Identifiers: ClinVar variation 2134430 (VCV002134430.4), dbSNP rs2497799280, ClinGen allele CA383550211.